The following is an entry in ClinVar:

NM_003072.5(SMARCA4):c.4264T>C (p.Ser1422Pro)

Gene: SMARCA4 (SWI/SNF related BAF chromatin remodeling complex subunit ATPase 4; plus strand). Cytogenetic location: 19p13.2.
Variant type: single nucleotide variant.
Coding change: c.4264T>C on transcript NM_003072.5 (MANE Select); coding-DNA position 4264, T replaced by C.
Protein change: p.Ser1422Pro; replaces serine 1422 with proline.
Molecular consequence: missense variant. On other transcripts: non-coding transcript variant (1).
Genome position (GRCh38, 1-based): chr19:11,041,400, T>C. VCF-style: chr19-11041400-T-C. GRCh37 (hg19) VCF-style: chr19-11152076-T-C.
Other names: c.4264T>C, p.Ser1422Pro (NM_001128844.3); c.4174T>C, p.Ser1392Pro (NM_001128845.2, NM_001128846.2); c.4165T>C, p.Ser1389Pro (NM_001128847.4, NM_001128848.2, NM_001374457.1); c.4360T>C, p.Ser1454Pro (NM_001128849.3, NM_001387283.1); c.4261T>C, p.Ser1421Pro (NM_001411150.1); short protein forms S1421P, S1422P, S1389P, S1392P, S1454P.
Identifiers: ClinVar variation 3693409 (VCV003693409.2).

ClinVar aggregate classification (germline): Uncertain significance (1 of 4 stars; one submission).

Conditions:
Rhabdoid tumor predisposition syndrome 2 (RTPS2). Identifiers: Orphanet 231108, Orphanet 69077, MedGen C2750074, MONDO:0013224, OMIM 613325.

Submission:

Labcorp Genetics (formerly Invitae), Labcorp
Classification: Uncertain significance for Rhabdoid tumor predisposition syndrome 2. Last evaluated: 2024-04-30. Review status: criteria provided, single submitter. Criteria: Invitae Variant Classification Sherloc (09022015). Collection method: clinical testing. Allele origin: germline.
Comment: This sequence change replaces serine, which is neutral and polar, with proline, which is neutral and non-polar, at codon 1454 of the SMARCA4 protein (p.Ser1454Pro). This variant is not present in population databases (gnomAD no frequency). This variant has not been reported in the literature in individuals affected with SMARCA4-related conditions. Advanced modeling of protein sequence and biophysical properties (such as structural, functional, and spatial information, amino acid conservation, physicochemical variation, residue mobility, and thermodynamic stability) performed at Invitae indicates that this missense variant is not expected to disrupt SMARCA4 protein function with a negative predictive value of 95%. In summary, the available evidence is currently insufficient to determine the role of this variant in disease. Therefore, it has been classified as a Variant of Uncertain Significance.